The following is an entry in ClinVar:

ClinVar aggregate classification (germline): Uncertain significance. Review status: criteria provided, multiple submitters, no conflicts (2 of 4 stars). 2 submissions from 2 submitters: Uncertain significance (2). Last evaluated 2025-10-09.

Conditions:
Colorectal cancer, susceptibility to, 1. Also called: COLORECTAL ADENOMA AND CANCER, SUSCEPTIBILITY TO; COLORECTAL CANCER, SUSCEPTIBILITY TO, ON CHROMOSOME 9. Identifiers: MedGen C1837315, MONDO:0012132, OMIM 608812.

Submissions (2):

Ambry Genetics
Classification: Uncertain significance. Last evaluated: 2025-10-09. Review status: criteria provided, single submitter. Criteria: Ambry Variant Classification Scheme 2023. Collection method: clinical testing. Allele origin: germline.
Comment: The p.W574L variant (also known as c.1721G>T), located in coding exon 10 of the GALNT12 gene, results from a G to T substitution at nucleotide position 1721. The tryptophan at codon 574 is replaced by leucine, an amino acid with similar properties. This amino acid position is conserved. In addition, this alteration is predicted to be deleterious by in silico analysis. Based on the available evidence, the clinical significance of this variant remains unclear.

Baylor Genetics
Classification: Uncertain significance for Colorectal cancer, susceptibility to, 1. Last evaluated: 2024-03-17. Review status: criteria provided, single submitter. Criteria: ACMG Guidelines, 2015. Collection method: clinical testing. Allele origin: unknown.

NM_024642.5(GALNT12):c.1721G>T (p.Trp574Leu)

Gene: GALNT12 (polypeptide N-acetylgalactosaminyltransferase 12; plus strand). Cytogenetic location: 9q22.33.
Variant type: single nucleotide variant.
Coding change: c.1721G>T on transcript NM_024642.5 (MANE Select); coding-DNA position 1721, G replaced by T.
Protein change: p.Trp574Leu; replaces tryptophan 574 with leucine.
Molecular consequence: missense variant.
Genome position (GRCh38, 1-based): chr9:98,849,067, G>T. VCF-style: chr9-98849067-G-T. GRCh37 (hg19) VCF-style: chr9-101611349-G-T.
Other names: c.1721G>T (NM_024642.4); short protein forms W574L.
Identifiers: ClinVar variation 3241663 (VCV003241663.2), dbSNP rs780798931.